The following is an entry in ClinVar:

ClinVar aggregate classification (germline): Uncertain significance (1 of 4 stars; one submission).

Submission:

CeGaT Center for Human Genetics Tuebingen
Classification: Uncertain significance. Last evaluated: 2026-04-01. Review status: criteria provided, single submitter. Criteria: CeGaT Center For Human Genetics Tuebingen Variant Classification Criteria Version 2. Collection method: clinical testing. Allele origin: germline. Affected: yes. Observed: 1 variant allele.
Comment: PAFAH1B1: PM2

NM_000430.4(PAFAH1B1):c.952A>G (p.Lys318Glu)

Gene: PAFAH1B1 (platelet activating factor acetylhydrolase 1b regulatory subunit 1; plus strand). Cytogenetic location: 17p13.3.
Variant type: single nucleotide variant.
Coding change: c.952A>G on transcript NM_000430.4 (MANE Select); coding-DNA position 952, A replaced by G.
Protein change: p.Lys318Glu; replaces lysine 318 with glutamic acid.
Molecular consequence: missense variant.
Genome position (GRCh38, 1-based): chr17:2,676,556, A>G. VCF-style: chr17-2676556-A-G. GRCh37 (hg19) VCF-style: chr17-2579850-A-G.
Other names: short protein forms K318E.
Identifiers: ClinVar variation 4874585 (VCV004874585.2).